The following is an entry in ClinVar:

NM_002878.4(RAD51D):c.80C>T (p.Thr27Ile)

Genes: RAD51D (RAD51 paralog D; minus strand), RAD51L3-RFFL (RAD51L3-RFFL readthrough; minus strand). Cytogenetic location: 17q12.
Variant type: single nucleotide variant.
Coding change: c.80C>T on transcript NM_002878.4 (MANE Select); coding-DNA position 80, C replaced by T.
Protein change: p.Thr27Ile; replaces threonine 27 with isoleucine.
Molecular consequence: missense variant. On other transcripts: non-coding transcript variant (2).
Genome position (GRCh38, 1-based): chr17:35,119,534, G>A on the plus strand (C>T on the coding strand, the complement: RAD51D is on the minus strand). VCF-style: chr17-35119534-G-A. GRCh37 (hg19) VCF-style: chr17-33446553-G-A.
Other names: c.80C>T, p.Thr27Ile (NM_001142571.2, NM_133629.3); short protein forms T27I.
Identifiers: ClinVar variation 480524 (VCV000480524.20), dbSNP rs139642328, ClinGen allele CA399092243.

ClinVar aggregate classification (germline): Uncertain significance. Review status: criteria provided, multiple submitters, no conflicts (2 of 4 stars). 7 submissions from 7 submitters: Uncertain significance (7). Last evaluated 2026-01-11.

Conditions:
RAD51D-related disorder. Also called: RAD51D-related condition.
Hereditary cancer-predisposing syndrome. Also called: Neoplastic Syndromes, Hereditary; Hereditary Cancer Syndrome; Tumor predisposition; Hereditary neoplastic syndrome. Identifiers: Orphanet 140162, MedGen C0027672, MeSH D009386, MONDO:0015356.
Hereditary breast ovarian cancer syndrome. Also called: BRCA1- and BRCA2-Associated Hereditary Breast and Ovarian Cancer; Hereditary breast and ovarian cancer; Hereditary breast and ovarian cancer syndrome; Hereditary breast and ovarian cancer syndrome (HBOC); Hereditary breast and/or ovarian cancer syndrome; Breast and ovarian cancer. Identifiers: Orphanet 145, MedGen C0677776, MeSH D061325, MONDO:0003582. Disease mechanism: loss of function.
Breast-ovarian cancer, familial, susceptibility to, 4. Identifiers: Orphanet 145, MedGen C3280345, MONDO:0013669, OMIM 614291.

Allele frequency attached by ClinVar (database versions not stated): TOPMed 0.00001.
gnomAD v4.1: 1 of 1,611,852 alleles (0.000062%); highest among the groups gnomAD compares: Non-Finnish European, 0.000085%; no homozygotes.

Submissions (7):

PreventionGenetics, part of Exact Sciences
Classification: Uncertain significance for RAD51D-related condition. Last evaluated: 2026-01-11. Review status: criteria provided, single submitter. Criteria: ACMG Guidelines, 2015. Collection method: clinical testing. Allele origin: germline.
Comment: The RAD51D c.80C>T variant is predicted to result in the amino acid substitution p.Thr27Ile. This variant has been reported in a study of individuals with breast cancer (Table S2, Hauke et al. 2018. PubMed ID: 29522266). This variant has not been reported in a large population database (gnomAD), indicating this variant is rare, and is reported as uncertain in ClinVar (Variation ID: 480524). At this time, the clinical significance of this variant is uncertain due to the absence of conclusive functional and genetic evidence.

Labcorp Genetics (formerly Invitae), Labcorp
Classification: Uncertain significance for Breast-ovarian cancer, familial, susceptibility to, 4. Last evaluated: 2025-08-11. Review status: criteria provided, single submitter. Criteria: Invitae Variant Classification Sherloc (09022015). Collection method: clinical testing. Allele origin: germline.
Comment: This sequence change replaces threonine, which is neutral and polar, with isoleucine, which is neutral and non-polar, at codon 27 of the RAD51D protein (p.Thr27Ile). This variant is not present in population databases (gnomAD no frequency). This variant has not been reported in the literature in individuals affected with RAD51D-related conditions. ClinVar contains an entry for this variant (Variation ID: 480524). An algorithm developed to predict the effect of missense changes on protein structure and function (PolyPhen-2) suggests that this variant is likely to be disruptive. Studies have shown that this missense change is associated with inconclusive levels of altered splicing (internal data). In summary, the available evidence is currently insufficient to determine the role of this variant in disease. Therefore, it has been classified as a Variant of Uncertain Significance.

Ambry Genetics
Classification: Uncertain significance for Hereditary cancer-predisposing syndrome. Last evaluated: 2025-04-18. Review status: criteria provided, single submitter. Criteria: Ambry Variant Classification Scheme 2023. Collection method: clinical testing. Allele origin: germline.
Comment: The p.T27I variant (also known as c.80C>T), located in coding exon 1 of the RAD51D gene, results from a C to T substitution at nucleotide position 80. The threonine at codon 27 is replaced by isoleucine, an amino acid with similar properties. This alteration was detected in 1/5589 German BRCA1/2-negative probands with breast cancer (Hauke J et al. Cancer Med, 2018 04;7:1349-1358). This amino acid position is highly conserved in available vertebrate species. In addition, the in silico prediction for this alteration is inconclusive. Based on the available evidence, the clinical significance of this variant remains unclear.

Baylor Genetics
Classification: Uncertain significance for Breast-ovarian cancer, familial, susceptibility to, 4. Last evaluated: 2023-08-22. Review status: criteria provided, single submitter. Criteria: ACMG Guidelines, 2015. Collection method: clinical testing. Allele origin: unknown.

GeneDx
Classification: Uncertain significance. Last evaluated: 2022-09-01. Review status: criteria provided, single submitter. Criteria: GeneDx Variant Classification Process June 2021. Collection method: clinical testing. Allele origin: germline. Affected: yes.
Comment: Not observed at significant frequency in large population cohorts (gnomAD); In silico analysis supports that this missense variant has a deleterious effect on protein structure/function; Has not been previously published as pathogenic or benign to our knowledge; This variant is associated with the following publications: (PMID: 21111057)

Color Diagnostics, LLC DBA Color Health
Classification: Uncertain significance for Hereditary cancer-predisposing syndrome. Last evaluated: 2018-12-23. Review status: criteria provided, single submitter. Criteria: ACMG Guidelines, 2015. Collection method: clinical testing. Allele origin: germline.

Mendelics
Classification: Uncertain significance for Hereditary breast and ovarian cancer syndrome. Last evaluated: 2018-07-02. Review status: criteria provided, single submitter. Criteria: Mendelics Assertion Criteria 2017. Collection method: clinical testing. Allele origin: unknown.

Literature cited by the submitters: PubMed 29522266 (cited by Ambry Genetics).